The following is an entry in ClinVar:

ClinVar aggregate classification (germline): Likely pathogenic (1 of 4 stars; one submission).

Conditions:
Retinitis pigmentosa 25 (RP25). Identifiers: Orphanet 791, MedGen C1864446, MONDO:0011272, OMIM 602772.

Submission:

Natera, Inc.
Classification: Likely pathogenic for Retinitis pigmentosa type 25. Last evaluated: 2025-12-30. Review status: criteria provided, single submitter. Criteria: Natera Variant Classification Schema (03/2026). Collection method: clinical testing. Allele origin: germline.
Comment: The c.9202G>T variant in EYS is a nonsense variant predicted to introduce a stop codon at amino acid 3068. This variant is expected to result in nonsense mediated decay, truncation, or a dysfunctional protein product. This variant is rare in the general population with a frequency below the threshold expected for the associated phenotype(s). Given the available evidence, this variant is classified as Likely Pathogenic.

NM_001142800.2(EYS):c.9202G>T (p.Glu3068Ter)

Genes: EYS (EGF-like photoreceptor maintenance factor; minus strand), PHF3 (PHD finger protein 3; plus strand). Cytogenetic location: 6q12.
Variant type: single nucleotide variant.
Coding change: c.9202G>T on transcript NM_001142800.2 (MANE Select); coding-DNA position 9202, G replaced by T.
Protein change: p.Glu3068Ter; replaces glutamic acid 3068 with a stop codon.
Molecular consequence: nonsense. On other transcripts: 3 prime UTR variant (5).
Genome position (GRCh38, 1-based): chr6:63,720,829, C>A on the plus strand (G>T on the coding strand, the complement: EYS is on the minus strand). VCF-style: chr6-63720829-C-A. GRCh37 (hg19) VCF-style: chr6-64430725-C-A.
Other names: c.*7121C>A (NM_001290259.2, NM_001370348.2, NM_001370349.2 and 2 more transcripts); c.9265G>T, p.Glu3089Ter (NM_001292009.2); short protein forms E3068*, E3089*.
Identifiers: ClinVar variation 4814668 (VCV004814668.1).